The following is an entry in ClinVar:

ClinVar aggregate classification (germline): Conflicting classifications of pathogenicity. Review status: criteria provided, conflicting classifications (1 of 4 stars). 11 submissions from 11 submitters: Pathogenic (1); Likely pathogenic (7); Uncertain significance (1). 2 of the submissions do not count toward it. Last evaluated 2025-07-07.

Conditions:
PEX13-related disorder. Also called: PEX13-related disorders; PEX13-related condition.
Peroxisome biogenesis disorder 11A (Zellweger). Also called: Peroxisome biogenesis disorder 11A. Identifiers: Orphanet 912, MedGen C3554000, MONDO:0013949, OMIM 614883.
Peroxisome biogenesis disorder 11B (PBD11B). Identifiers: Orphanet 44, MedGen C3554001, MONDO:0013950, OMIM 614885.
Peroxisome biogenesis disorder. Identifiers: Orphanet 79189, MedGen C1832200, MONDO:0019234. Disease mechanism: loss of function.

Allele frequency attached by ClinVar (database versions not stated): gnomAD exomes 0.00008 and 0.00014; gnomAD 0.00005 and 0.00008; ESP Exome Variant Server 0.00008; TOPMed 0.00008; ExAC 0.00016; 1000 Genomes Project 0.00040; 1000 Genomes Project 30x 0.00047.
gnomAD v4.1: 136 of 1,612,804 alleles (0.0084%); highest among the groups gnomAD compares: South Asian, 0.067%; no homozygotes.

Submissions (11):

Women's Health and Genetics/Laboratory Corporation of America, LabCorp
Classification: Pathogenic for Peroxisome biogenesis disorder. Last evaluated: 2025-07-07. Review status: criteria provided, single submitter. Criteria: LabCorp Variant Classification Summary - May 2015. Collection method: clinical testing. Allele origin: germline.
Comment: Variant summary: PEX13 c.880C>T (p.Arg294Trp) results in a non-conservative amino acid change located in the SH3 domain (IPR001452) of the encoded protein sequence. Algorithms developed to predict the effect of missense changes on protein structure and function are either unavailable or do not agree on the potential impact of this missense change. The variant allele was found at a frequency of 0.00014 in 251418 control chromosomes. This frequency is not significantly higher than estimated for a pathogenic variant in PEX13 causing Peroxisome Biogenesis Disorders, Zellweger Syndrome Spectrum (0.00014 vs 0.00057), allowing no conclusion about variant significance. c.880C>T has been reported in the literature in multiple individuals affected with Hypomyelinating Leukodystrophy and Peroxisome Biogenesis Disorders, Zellweger Syndrome Spectrum with evidence of cosegregation (Di Bella_2021, Borgia_2022), and some patients are compound heterozygous with truncating or partial deletion variants. These data indicate that the variant is very likely to be associated with disease. Functional studies on fibroblasts from ZSD patients carrying the PEX13 p.Arg294Trp variant (either in the compound heterozygous or the homozygous state) revealed a reduced number of PEX13 expressing, enlarged peroxisomes as well as a mitochondria mislocalization, that was triggered under particular cellular stress condition. Furthermore, our studies on muscle tissues revealed an uneven distribution of mitochondria, and central areas devoid of oxidative staining. These findings suggest secondary mitochondrial dysfunction and altered distribution of mitochondria in the muscles as the result of the peroxisomal deficiency (Borgia_2022). The following publications have been ascertained in the context of this evaluation (PMID: 35854306, 33190326). ClinVar contains an entry for this variant (Variation ID: 287094). Based on the evidence outlined above, the variant was classified as pathogenic.

Labcorp Genetics (formerly Invitae), Labcorp
Classification: Likely pathogenic for Peroxisome biogenesis disorder 11A (Zellweger). Last evaluated: 2025-07-04. Review status: criteria provided, single submitter. Criteria: Invitae Variant Classification Sherloc (09022015). Collection method: clinical testing. Allele origin: germline.
Comment: This sequence change replaces arginine, which is basic and polar, with tryptophan, which is neutral and slightly polar, at codon 294 of the PEX13 protein (p.Arg294Trp). This variant is present in population databases (rs373118250, gnomAD 0.07%). This missense change has been observed in individual(s) with clinical features of PEX13-related conditions (PMID: 33190326, 35854306). In at least one individual the data is consistent with being in trans (on the opposite chromosome) from a pathogenic variant. ClinVar contains an entry for this variant (Variation ID: 287094). Invitae Evidence Modeling of protein sequence and biophysical properties (such as structural, functional, and spatial information, amino acid conservation, physicochemical variation, residue mobility, and thermodynamic stability) has been performed for this missense variant. However, the output from this modeling did not meet the statistical confidence thresholds required to predict the impact of this variant on PEX13 protein function. In summary, the currently available evidence indicates that the variant is pathogenic, but additional data are needed to prove that conclusively. Therefore, this variant has been classified as Likely Pathogenic.

First Genomix Gene Laboratory, Genetic Diagnostics Department
Classification: Likely pathogenic for Peroxisome biogenesis disorder 11A (Zellweger); Peroxisome biogenesis disorder 11B. Last evaluated: 2025-05-23. Review status: criteria provided, single submitter. Criteria: ACMG Guidelines, 2015. Collection method: clinical testing. Allele origin: germline. Inheritance: Autosomal recessive inheritance. Affected: no. Observed: 1 variant allele.

3billion
Classification: Likely pathogenic for PEX13-related disorder. Last evaluated: 2025-02-20. Review status: criteria provided, single submitter. Criteria: ACMG Guidelines, 2015. Collection method: clinical testing. Allele origin: germline. Affected: yes.
Comment: The variant is observed at an extremely low frequency in the gnomAD v4.1.0 dataset (total allele frequency: 0.008%). Predicted Consequence/Location: Missense variant. The majority of the known disease-causing variants of this gene are variants expected to result in premature termination of the protein. In silico tool predictions suggest no damaging effect of the variant on gene or gene product [REVEL: 0.39 (<0.4); 3Cnet: 0.01 (<0.15, specificity 0.78 and negative predictive value 0.92)]. The same nucleotide change resulting in the same amino acid change has been previously reported as pathogenic/likely pathogenic with strong evidence (ClinVar ID: VCV000287094). Therefore, this variant is classified as Likely pathogenic according to the recommendation of ACMG/AMP guideline.

Blueprint Genetics
Classification: Uncertain significance. Last evaluated: 2024-09-11. Review status: criteria provided, single submitter. Criteria: ACMG Guidelines, 2015. Collection method: clinical testing. Allele origin: germline.

Mayo Clinic Laboratories, Mayo Clinic
Classification: Likely pathogenic. Last evaluated: 2024-08-05. Review status: criteria provided, single submitter. Criteria: ACMG Guidelines, 2015. Collection method: clinical testing. Allele origin: germline. Observed: 1 variant allele.
Comment: PP4, PM2, PM3, PS4_moderate

Fulgent Genetics
Classification: Likely pathogenic for Peroxisome biogenesis disorder 11A (Zellweger); Peroxisome biogenesis disorder 11B. Last evaluated: 2024-03-16. Review status: criteria provided, single submitter. Criteria: ACMG Guidelines, 2015. Collection method: clinical testing. Allele origin: germline.

Department of Pathology and Laboratory Medicine, Sinai Health System
Classification: Likely pathogenic for Peroxisome biogenesis disorder 11A (Zellweger); Peroxisome biogenesis disorder 11B. Last evaluated: 2023-06-21. Review status: criteria provided, single submitter. Criteria: ACMG Guidelines, 2015. Collection method: research. Allele origin: germline.

GeneDx
Classification: Likely pathogenic. Last evaluated: 2022-11-30. Review status: criteria provided, single submitter. Criteria: GeneDx Variant Classification Process June 2021. Collection method: clinical testing. Allele origin: germline. Affected: yes.
Comment: In silico analysis supports that this missense variant has a deleterious effect on protein structure/function; This variant is associated with the following publications: (PMID: 33190326, 35854306)

Institute for Medical Genetics and Human Genetics, Charité - Universitätsmedizin Berlin
Classification: Uncertain significance for Peroxisome biogenesis disorder 11B. Last evaluated: 2022-09-22. Review status: flagged submission. Criteria: ACMG Guidelines, 2015. Collection method: clinical testing. Allele origin: germline. Inheritance: Autosomal recessive inheritance. Affected: yes. Observed: 1 variant allele, 1 compound heterozygote. Not counted in ClinVar's aggregate classification.
ClinVar note: Reason: Older and outlier claim with insufficient supporting evidence

Eurofins Ntd Llc (ga)
Classification: Uncertain significance. Last evaluated: 2016-06-07. Review status: flagged submission. Criteria: EGL Classification Definitions 2015. Collection method: clinical testing. Allele origin: germline. Observed: 1 variant allele, 1 heterozygote. Not counted in ClinVar's aggregate classification.
ClinVar note: Reason: Older and outlier claim with insufficient supporting evidence

Literature cited by the submitters: PubMed 33190326 (cited by 3 submitters); PubMed 35854306 (cited by 3 submitters); PubMed 37962062 (cited by Mayo Clinic Laboratories, Mayo Clinic).

NM_002618.4(PEX13):c.880C>T (p.Arg294Trp)

Gene: PEX13 (peroxisomal biogenesis factor 13; plus strand). Cytogenetic location: 2p15.
Variant type: single nucleotide variant.
Coding change: c.880C>T on transcript NM_002618.4 (MANE Select); coding-DNA position 880, C replaced by T.
Protein change: p.Arg294Trp; replaces arginine 294 with tryptophan.
Molecular consequence: missense variant.
Genome position (GRCh38, 1-based): chr2:61,045,818, C>T. VCF-style: chr2-61045818-C-T. GRCh37 (hg19) VCF-style: chr2-61272953-C-T.
Other names: p.Arg294Trp; short protein forms R294W.
Identifiers: ClinVar variation 287094 (VCV000287094.24), dbSNP rs373118250, ClinGen allele CA1673368.